The following is an entry in ClinVar:

ClinVar aggregate classification (germline): Uncertain significance. Review status: criteria provided, multiple submitters, no conflicts (2 of 4 stars). 5 submissions from 5 submitters: Uncertain significance (5). Last evaluated 2025-09-27.

Conditions:
Inborn genetic diseases. Identifiers: MedGen C0950123, MeSH D030342.

Allele frequency attached by ClinVar (database versions not stated): gnomAD 0.00001; gnomAD exomes 0.00001; TOPMed 0.00002; 1000 Genomes Project 0.00020; 1000 Genomes Project 30x 0.00031.
gnomAD v4.1: 24 of 1,613,148 alleles (0.0015%); highest among the groups gnomAD compares: Non-Finnish European, 0.0016%; no homozygotes.

Submissions (5):

Labcorp Genetics (formerly Invitae), Labcorp
Classification: Uncertain significance. Last evaluated: 2025-09-27. Review status: criteria provided, single submitter. Criteria: Invitae Variant Classification Sherloc (09022015). Collection method: clinical testing. Allele origin: germline.
Comment: This sequence change replaces glycine, which is neutral and non-polar, with alanine, which is neutral and non-polar, at codon 700 of the COL11A2 protein (p.Gly700Ala). This variant is present in population databases (rs558103710, gnomAD 0.002%). This variant has not been reported in the literature in individuals affected with COL11A2-related conditions. ClinVar contains an entry for this variant (Variation ID: 498657). Invitae Evidence Modeling of protein sequence and biophysical properties (such as structural, functional, and spatial information, amino acid conservation, physicochemical variation, residue mobility, and thermodynamic stability) indicates that this missense variant is expected to disrupt COL11A2 protein function with a positive predictive value of 95%. In summary, the available evidence is currently insufficient to determine the role of this variant in disease. Therefore, it has been classified as a Variant of Uncertain Significance.

Ambry Genetics
Classification: Uncertain significance for Inborn genetic diseases. Last evaluated: 2025-09-10. Review status: criteria provided, single submitter. Criteria: Ambry Variant Classification Scheme 2023. Collection method: clinical testing. Allele origin: germline.

GeneDx
Classification: Uncertain significance. Last evaluated: 2024-12-05. Review status: criteria provided, single submitter. Criteria: GeneDx Variant Classification Process June 2021. Collection method: clinical testing. Allele origin: germline. Affected: yes.
Comment: Has not been previously published as pathogenic or benign to our knowledge; Not observed at significant frequency in large population cohorts (gnomAD); In silico analysis supports that this missense variant has a deleterious effect on protein structure/function

Revvity Omics, Revvity
Classification: Uncertain significance. Last evaluated: 2021-02-19. Review status: criteria provided, single submitter. Criteria: ACMG Guidelines, 2015. Collection method: clinical testing. Allele origin: germline.

Eurofins Ntd Llc (ga)
Classification: Uncertain significance. Last evaluated: 2017-01-09. Review status: criteria provided, single submitter. Criteria: EGL Classification Definitions 2015. Collection method: clinical testing. Allele origin: germline. Observed: 1 variant allele, 1 heterozygote.

NM_080680.3(COL11A2):c.2099G>C (p.Gly700Ala)

Gene: COL11A2 (collagen type XI alpha 2 chain; minus strand). Cytogenetic location: 6p21.32.
Variant type: single nucleotide variant.
Coding change: c.2099G>C on transcript NM_080680.3 (MANE Select); coding-DNA position 2099, G replaced by C.
Protein change: p.Gly700Ala; replaces glycine 700 with alanine.
Molecular consequence: missense variant.
Genome position (GRCh38, 1-based): chr6:33,176,737, C>G on the plus strand (G>C on the coding strand, the complement: COL11A2 is on the minus strand). VCF-style: chr6-33176737-C-G. GRCh37 (hg19) VCF-style: chr6-33144514-C-G.
Other names: c.1778G>C, p.Gly593Ala (NM_080679.3); c.1841G>C, p.Gly614Ala (NM_080681.3); c.2099G>C (NM_080680.2); short protein forms G700A, G593A, G614A.
Identifiers: ClinVar variation 498657 (VCV000498657.15), dbSNP rs558103710, ClinGen allele CA137071627.
Genomic context (GRCh38, chr6:33,176,737, plus strand): 5'-TGAGTGGAGACTCCCTCAGGGGATAAAGACATGGAAGATCTCACCTGGTTTCCTTTGGTT[C>G]CAGGGGGACCTTCCTTCCCTGGGTGACCCTGGGAGTAAGGGATAGAAAATGTGACCAGTG-3'
Protein context (NP_542411.2, residues 690-710): PGHPGKEGPP[Gly700Ala]TKGNQGPSGP